The following is an entry in ClinVar:

ClinVar aggregate classification (germline): Uncertain significance (1 of 4 stars; one submission).

Conditions:
Infantile-onset X-linked spinal muscular atrophy. Also called: AMC, DISTAL, X-LINKED; ARTHROGRYPOSIS, X-LINKED, TYPE I; Spinal muscular atrophy, X-linked 2; Spinal Muscular Atrophy, X-Linked Infantile; SPINAL MUSCULAR ATROPHY, X-LINKED LETHAL INFANTILE. Identifiers: Orphanet 1145, MedGen C1844934, MONDO:0010532, OMIM 301830.

Submission:

Labcorp Genetics (formerly Invitae), Labcorp
Classification: Uncertain significance for Infantile-onset X-linked spinal muscular atrophy. Last evaluated: 2023-06-21. Review status: criteria provided, single submitter. Criteria: Invitae Variant Classification Sherloc (09022015). Collection method: clinical testing. Allele origin: germline.
Comment: This variant has not been reported in the literature in individuals affected with UBA1-related conditions. In summary, the available evidence is currently insufficient to determine the role of this variant in disease. Therefore, it has been classified as a Variant of Uncertain Significance. An algorithm developed to predict the effect of missense changes on protein structure and function (PolyPhen-2) suggests that this variant is likely to be disruptive. This variant is not present in population databases (gnomAD no frequency). This sequence change replaces valine, which is neutral and non-polar, with methionine, which is neutral and non-polar, at codon 901 of the UBA1 protein (p.Val901Met).

NM_003334.4(UBA1):c.2701G>A (p.Val901Met)

Gene: UBA1 (ubiquitin like modifier activating enzyme 1; plus strand). Cytogenetic location: Xp11.3.
Variant type: single nucleotide variant.
Coding change: c.2701G>A on transcript NM_003334.4 (MANE Select); coding-DNA position 2701, G replaced by A.
Protein change: p.Val901Met; replaces valine 901 with methionine.
Molecular consequence: missense variant.
Genome position (GRCh38, 1-based): chrX:47,213,044, G>A. VCF-style: chrX-47213044-G-A. GRCh37 (hg19) VCF-style: chrX-47072443-G-A.
Other names: c.2701G>A, p.Val901Met (NM_153280.3); short protein forms V901M.
Identifiers: ClinVar variation 2975088 (VCV002975088.3), dbSNP rs2521662091, ClinGen allele CA412810683.